The following is an entry in ClinVar:

NM_001698.3(AUH):c.331-6G>A

Gene: AUH (AU RNA binding methylglutaconyl-CoA hydratase; minus strand). Cytogenetic location: 9q22.31.
Variant type: single nucleotide variant.
Coding change: c.331-6G>A on transcript NM_001698.3 (MANE Select); 6 bases into the intron before coding-DNA position 331, G replaced by A.
Molecular consequence: intron variant.
Genome position (GRCh38, 1-based): chr9:91,355,976, C>T on the plus strand (G>A on the coding strand, the complement: AUH is on the minus strand). VCF-style: chr9-91355976-C-T. GRCh37 (hg19) VCF-style: chr9-94118258-C-T.
Other names: c.331-6G>A (NM_001306190.2); c.4-6G>A (NM_001351433.2, NM_001351431.2, NM_001351432.2).
Identifiers: ClinVar variation 258170 (VCV000258170.24), dbSNP rs10991898, ClinGen allele CA5119875.

ClinVar aggregate classification (germline): Benign. Review status: criteria provided, multiple submitters, no conflicts (2 of 4 stars). 8 submissions from 8 submitters: Benign (7). 1 of the submissions does not count toward it. Last evaluated 2026-02-02.

Conditions:
3-methylglutaconic aciduria type 1 (MGCA1). Identifiers: Orphanet 67046, MedGen C0342727, MONDO:0009610, OMIM 250950.

Allele frequency attached by ClinVar (database versions not stated): ESP Exome Variant Server 0.08419; gnomAD 0.08502 and 0.08731; TOPMed 0.08903; 1000 Genomes Project 30x 0.09385; 1000 Genomes Project 0.09585; gnomAD exomes 0.10479 and 0.10961; ExAC 0.10788.
gnomAD v4.1: 166,179 of 1,608,060 alleles (10%); highest among the groups gnomAD compares: Middle Eastern, 18%; 9,082 homozygotes.

Submissions (8):

Labcorp Genetics (formerly Invitae), Labcorp
Classification: Benign for 3-methylglutaconic aciduria type 1. Last evaluated: 2026-02-02. Review status: criteria provided, single submitter. Criteria: Invitae Variant Classification Sherloc (09022015). Collection method: clinical testing. Allele origin: germline.

Blueprint Genetics
Classification: Benign. Last evaluated: 2024-11-27. Review status: criteria provided, single submitter. Criteria: ACMG Guidelines, 2015. Collection method: clinical testing. Allele origin: germline.

Genome-Nilou Lab
Classification: Benign for 3-methylglutaconic aciduria type 1. Last evaluated: 2021-07-14. Review status: criteria provided, single submitter. Criteria: ACMG Guidelines, 2015. Collection method: clinical testing. Allele origin: germline. Affected: no.

Illumina Laboratory Services, Illumina
Classification: Benign for 3-methylglutaconic aciduria type 1. Last evaluated: 2018-01-12. Review status: criteria provided, single submitter. Criteria: ICSL Variant Classification Criteria 13 December 2019. Collection method: clinical testing. Allele origin: germline.
Comment: This variant was observed in the ICSL laboratory as part of a predisposition screen in an ostensibly healthy population. It had not been previously curated by ICSL or reported in the Human Gene Mutation Database (HGMD: prior to June 1st, 2018), and was therefore a candidate for classification through an automated scoring system. Utilizing variant allele frequency, disease prevalence and penetrance estimates, and inheritance mode, an automated score was calculated to assess if this variant is too frequent to cause the disease. Based on the score and internal cut-off values, a variant classified as benign is not then subjected to further curation. The score for this variant resulted in a classification of benign for this disease.

GeneDx
Classification: Benign. Last evaluated: 2015-03-03. Review status: criteria provided, single submitter. Criteria: GeneDx Variant Classification Process June 2021. Collection method: clinical testing. Allele origin: germline. Affected: yes.

Breakthrough Genomics
Classification: Benign. Review status: criteria provided, single submitter. Criteria: ACMG Guidelines, 2015. Collection method: not provided. Allele origin: germline. Inheritance: Autosomal recessive inheritance. Affected: yes.

PreventionGenetics, part of Exact Sciences
Classification: Benign. Review status: criteria provided, single submitter. Criteria: ACMG Guidelines, 2015. Collection method: clinical testing. Allele origin: germline.

Mayo Clinic Laboratories, Mayo Clinic
Classification: Benign. Last evaluated: 2016-02-23. Review status: no assertion criteria provided. Collection method: clinical testing. Allele origin: unknown. Not counted in ClinVar's aggregate classification.